The following is an entry in ClinVar:

ClinVar aggregate classification (germline): Pathogenic (1 of 4 stars; one submission).

Conditions:
Familial adenomatous polyposis 1 (FAP1). Also called: POLYPOSIS, ADENOMATOUS INTESTINAL; FAMILIAL ADENOMATOUS POLYPOSIS 1, ATTENUATED. Identifiers: MedGen C2713442, MONDO:0021056, OMIM 175100. Disease mechanism: loss of function.

Submission:

Labcorp Genetics (formerly Invitae), Labcorp
Classification: Pathogenic for Familial adenomatous polyposis 1. Last evaluated: 2021-11-10. Review status: criteria provided, single submitter. Criteria: Invitae Variant Classification Sherloc (09022015). Collection method: clinical testing. Allele origin: germline.
Comment: This variant is a gross deletion of the genomic region encompassing exon(s) 3-16 of the APC gene, which includes the termination codon. This deletion extends beyond the assayed region for this gene and therefore may encompass additional genes. While this deletion is not anticipated to lead to nonsense mediated decay, it is expected to alter mRNA translation or result in a truncated protein product. A similar copy number variant has been observed in individual(s) with familial adenomatous polyposis (PMID: 31113927). This variant is expected to disrupt the EB1 and HDLG binding sites, which mediate interactions with the cytoskeleton (PMID: 15311282, 17293347). While functional studies have not been performed to directly test the effect on APC protein function, this suggests that disruption of the C-terminal portion of the protein is functionally important. This variant disrupts a region of the APC protein in which other variant(s) (p.Tyr2645Lysfs*14) have been determined to be pathogenic (PMID: 1316610, 8381579, 9824584, 22135120, 27081525; Invitae). This suggests that this is a clinically significant region of the protein, and that variants that disrupt it are likely to be disease-causing. For these reasons, this variant has been classified as Pathogenic.

Literature cited by the submitters: PubMed 31113927; PubMed 15311282; PubMed 17293347; PubMed 1316610; PubMed 8381579; PubMed 9824584; PubMed 22135120; PubMed 27081525.

NC_000005.9:g.(?_112102013)_(112179823_?)del

Gene: APC (APC regulator of Wnt signaling pathway; plus strand). Cytogenetic location: 5q22.2.
Variant type: Deletion.
Identifiers: ClinVar variation 1427616 (VCV001427616.1).